The following is an entry in ClinVar:

ClinVar aggregate classification (germline): Conflicting classifications of pathogenicity. Review status: criteria provided, conflicting classifications (1 of 4 stars). 6 submissions from 5 submitters: Uncertain significance (3); Likely benign (3). Last evaluated 2026-09-01.

Conditions:
Autosomal recessive multiple pterygium syndrome. Also called: MULTIPLE PTERYGIUM SYNDROME, ESCOBAR VARIANT; PTERYGIUM COLLI SYNDROME; PTERYGIUM SYNDROME; PTERYGIUM UNIVERSALE. Identifiers: Orphanet 2990, MedGen C0265261, MONDO:0009926, OMIM 265000.
Lethal multiple pterygium syndrome (LMPS). Identifiers: Orphanet 33108, MedGen C1854678, MONDO:0009668, OMIM 253290.

Allele frequency attached by ClinVar (database versions not stated): 1000 Genomes Project 0.00040; 1000 Genomes Project 30x 0.00047; ExAC 0.00054; gnomAD exomes 0.00054; gnomAD 0.00065 and 0.00068; TOPMed 0.00065; ESP Exome Variant Server 0.00085.
gnomAD v4.1: 1,791 of 1,614,094 alleles (0.11%); highest among the groups gnomAD compares: Non-Finnish European, 0.14%; 2 homozygotes.

Submissions (6):

CeGaT Center for Human Genetics Tuebingen
Classification: Likely benign. Last evaluated: 2026-09-01. Review status: criteria provided, single submitter. Criteria: CeGaT Center For Human Genetics Tuebingen Variant Classification Criteria Version 2. Collection method: clinical testing. Allele origin: germline. Affected: yes. Observed: 2 variant alleles.
Comment: CHRNG: BP4, BP7

Labcorp Genetics (formerly Invitae), Labcorp
Classification: Likely benign. Last evaluated: 2026-01-27. Review status: criteria provided, single submitter. Criteria: Invitae Variant Classification Sherloc (09022015). Collection method: clinical testing. Allele origin: germline.

Blueprint Genetics
Classification: Likely benign. Last evaluated: 2024-09-19. Review status: criteria provided, single submitter. Criteria: ACMG Guidelines, 2015. Collection method: clinical testing. Allele origin: germline.

Illumina Laboratory Services, Illumina
Classification: Uncertain significance for Lethal multiple pterygium syndrome. Last evaluated: 2018-01-13. Review status: criteria provided, single submitter. Criteria: ICSL Variant Classification Criteria 13 December 2019. Collection method: clinical testing. Allele origin: germline.

Illumina Laboratory Services, Illumina
Classification: Uncertain significance for Autosomal recessive multiple pterygium syndrome. Last evaluated: 2018-01-13. Review status: criteria provided, single submitter. Criteria: ICSL Variant Classification Criteria 13 December 2019. Collection method: clinical testing. Allele origin: germline.

Eurofins Ntd Llc (ga)
Classification: Uncertain significance. Last evaluated: 2016-01-19. Review status: criteria provided, single submitter. Criteria: EGL Classification Definitions 2015. Collection method: clinical testing. Allele origin: germline. Observed: 1 variant allele, 1 heterozygote.

NM_005199.5(CHRNG):c.663G>A (p.Ala221=)

Gene: CHRNG (cholinergic receptor nicotinic gamma subunit; plus strand). Cytogenetic location: 2q37.1.
Variant type: single nucleotide variant.
Coding change: c.663G>A on transcript NM_005199.5 (MANE Select); coding-DNA position 663, G replaced by A.
Protein change: p.Ala221=; no amino-acid change (alanine 221 retained).
Molecular consequence: synonymous variant.
Genome position (GRCh38, 1-based): chr2:232,542,940, G>A. VCF-style: chr2-232542940-G-A. GRCh37 (hg19) VCF-style: chr2-233407650-G-A.
Identifiers: ClinVar variation 285431 (VCV000285431.32), dbSNP rs150556220, ClinGen allele CA2168765.